The following is an entry in ClinVar:

NM_005732.4(RAD50):c.343G>A (p.Glu115Lys)

Gene: RAD50 (RAD50 double strand break repair protein; plus strand). Cytogenetic location: 5q31.1.
Variant type: single nucleotide variant.
Coding change: c.343G>A on transcript NM_005732.4 (MANE Select); coding-DNA position 343, G replaced by A.
Protein change: p.Glu115Lys; replaces glutamic acid 115 with lysine.
Molecular consequence: missense variant.
Genome position (GRCh38, 1-based): chr5:132,575,906, G>A. VCF-style: chr5-132575906-G-A. GRCh37 (hg19) VCF-style: chr5-131911598-G-A.
Other names: c.343G>A (NM_005732.3); short protein forms E115K.
Identifiers: ClinVar variation 2816036 (VCV002816036.4), dbSNP rs2479608466, ClinGen allele CA360931396.

ClinVar aggregate classification (germline): Uncertain significance. Review status: criteria provided, multiple submitters, no conflicts (2 of 4 stars). 2 submissions from 2 submitters: Uncertain significance (2). Last evaluated 2024-08-12.

Conditions:
Hereditary cancer-predisposing syndrome. Also called: Neoplastic Syndromes, Hereditary; Tumor predisposition; Hereditary Cancer Syndrome; Hereditary neoplastic syndrome. Identifiers: Orphanet 140162, MedGen C0027672, MeSH D009386, MONDO:0015356.

Submissions (2):

Ambry Genetics
Classification: Uncertain significance for Hereditary cancer-predisposing syndrome. Last evaluated: 2024-08-12. Review status: criteria provided, single submitter. Criteria: Ambry Variant Classification Scheme 2023. Collection method: clinical testing. Allele origin: germline.
Comment: The p.E115K variant (also known as c.343G>A), located in coding exon 3 of the RAD50 gene, results from a G to A substitution at nucleotide position 343. The glutamic acid at codon 115 is replaced by lysine, an amino acid with similar properties. This amino acid position is conserved. In addition, this alteration is predicted to be deleterious by in silico analysis. Based on the available evidence, the clinical significance of this variant remains unclear.

Labcorp Genetics (formerly Invitae), Labcorp
Classification: Uncertain significance for Hereditary cancer-predisposing syndrome. Last evaluated: 2022-11-23. Review status: criteria provided, single submitter. Criteria: Invitae Variant Classification Sherloc (09022015). Collection method: clinical testing. Allele origin: germline.
Comment: Advanced modeling of protein sequence and biophysical properties (such as structural, functional, and spatial information, amino acid conservation, physicochemical variation, residue mobility, and thermodynamic stability) performed at Invitae indicates that this missense variant is expected to disrupt RAD50 protein function. Algorithms developed to predict the effect of sequence changes on RNA splicing suggest that this variant may create or strengthen a splice site. In summary, the available evidence is currently insufficient to determine the role of this variant in disease. Therefore, it has been classified as a Variant of Uncertain Significance. This variant has not been reported in the literature in individuals affected with RAD50-related conditions. This sequence change replaces glutamic acid, which is acidic and polar, with lysine, which is basic and polar, at codon 115 of the RAD50 protein (p.Glu115Lys). This variant is not present in population databases (gnomAD no frequency).